The following is an entry in ClinVar:

NM_000548.5(TSC2):c.2892_2895del (p.Lys964fs)

Gene: TSC2 (TSC complex subunit 2; plus strand). Cytogenetic location: 16p13.3.
Variant type: Deletion.
Coding change: c.2892_2895del on transcript NM_000548.5 (MANE Select); coding-DNA positions 2892 to 2895, 4 bases deleted (AGAA; older notation c.2892_2895delAGAA).
Protein change: p.Lys964fs; shifts the reading frame from lysine 964.
Molecular consequence: frameshift variant. On other transcripts: intron variant (9).
Genome position (GRCh38, 1-based): chr16:2,077,652-2,077,655, AGAA deleted; deleting any 4 consecutive bases within chr16:2,077,649-2,077,655 gives the same sequence; the c. name uses the placement nearest the transcript's 3' end. VCF-style (leftmost placement, unchanged base first): chr16-2077648-TGAAA-T. GRCh37 (hg19) VCF-style: chr16-2127649-TGAAA-T.
Other names: c.2892_2895del, p.Lys964fs (NM_001114382.3); c.2837+1067_2837+1070del (NM_021055.3, NM_001370405.1, NM_001363528.2 and 2 more transcripts); c.2726+1067_2726+1070del (NM_001318827.2); c.2237+1067_2237+1070del (NM_001318831.2); c.2690+1067_2690+1070del (NM_001318829.2); c.2870+1067_2870+1070del (NM_001318832.2); short protein forms K964fs.
Identifiers: ClinVar variation 545877 (VCV000545877.3), dbSNP rs1555509491, ClinGen allele CA658824384.

ClinVar aggregate classification (germline): Uncertain significance. Review status: criteria provided, multiple submitters, no conflicts (2 of 4 stars). 2 submissions from 2 submitters: Uncertain significance (2). Last evaluated 2023-12-29.

Conditions:
Hereditary cancer-predisposing syndrome. Also called: Neoplastic Syndromes, Hereditary; Hereditary Cancer Syndrome; Tumor predisposition; Hereditary neoplastic syndrome. Identifiers: Orphanet 140162, MedGen C0027672, MeSH D009386, MONDO:0015356.

Submissions (2):

Ambry Genetics
Classification: Uncertain significance for Hereditary cancer-predisposing syndrome. Last evaluated: 2023-12-29. Review status: criteria provided, single submitter. Criteria: Ambry Variant Classification Scheme 2023. Collection method: clinical testing. Allele origin: germline.
Comment: The c.2892_2895delAGAA variant, located in coding exon 25 of the TSC2 gene, results from a deletion of 4 nucleotides at nucleotide positions 2892 to 2895, causing a translational frameshift with a predicted alternate stop codon (p.K964Nfs*51). Nonsense alterations are expected to result in loss of function by premature protein truncation or nonsense-mediated mRNA decay; however, this variant occurs in an exon that is excluded in biologically relevant transcripts (Ekong R et al. Hum. Mutat., 2016 Apr;37:364-70). Since supporting evidence is limited at this time, the clinical significance of this alteration remains unclear.

GeneDx
Classification: Uncertain significance. Last evaluated: 2018-02-14. Review status: criteria provided, single submitter. Criteria: GeneDx Variant Classification (06012015). Collection method: clinical testing. Allele origin: germline. Affected: yes.
Comment: This deletion of four nucleotides in exon 26 of TSC2 is denoted c.2892_2895delAGAA at the cDNA level and p.Lys964AsnfsX51 (K964NfsX51) at the protein level. The normal sequence, with the bases that are deleted in brackets, is TGAA[delAGAA]TTCA. The deletion causes a frameshift which changes a Lysine to an Asparagine at codon 964, and creates a premature stop codon at position 51 of the new reading frame. Although this variant is predicted to cause loss of normal protein function, current evidence indicates that variants in exon 26 (referred to as exon 25 by alternate numbering) are unlikely to cause tuberous sclerosis (TS) (Ekong 2016). Specifically, loss-of-function variants in this exon have been identified in the published literature and at GeneDx in individuals who do not have features of TS (Ekong 2016). RNA expression analysis demonstrates an abundance of transcripts lacking this exon in multiple normal tissue types from healthy adults, and in vitro studies indicate that this exon is not essential for normal functional activity of the TSC complex (Ekong 2016). TSC2 c.2892_2895delAGAA was not observed in large population cohorts (Lek 2016). This variant has not, to our knowledge, been reported in the literature. Based on currently available evidence, it is unclear whether TSC2 c.2892_2895delAGAA is a pathogenic or benign variant. We consider it to be a variant of uncertain significance.